The following is an entry in ClinVar:

NM_000081.4(LYST):c.7035A>G (p.Pro2345=)

Gene: LYST (lysosomal trafficking regulator; minus strand). Cytogenetic location: 1q42.3.
Variant type: single nucleotide variant.
Coding change: c.7035A>G on transcript NM_000081.4 (MANE Select); coding-DNA position 7035, A replaced by G.
Protein change: p.Pro2345=; no amino-acid change (proline 2345 retained).
Molecular consequence: synonymous variant.
Genome position (GRCh38, 1-based): chr1:235,757,305, T>C on the plus strand (A>G on the coding strand, the complement: LYST is on the minus strand). VCF-style: chr1-235757305-T-C. GRCh37 (hg19) VCF-style: chr1-235920605-T-C.
Other names: c.7035A>G, p.Pro2345= (NM_001301365.1); c.7035A>G (NM_000081.3).
Identifiers: ClinVar variation 1550518 (VCV001550518.10), dbSNP rs201566191, ClinGen allele CA1466246.

ClinVar aggregate classification (germline): Likely benign. Review status: criteria provided, multiple submitters, no conflicts (2 of 4 stars). 3 submissions from 3 submitters: Likely benign (2). 1 of the submissions does not count toward it. Last evaluated 2026-01-14.

Conditions:
Chédiak-Higashi syndrome (CHS). Also called: Chediak-Higashi Syndrome. Identifiers: Orphanet 167, MedGen C0007965, MONDO:0008963, OMIM 214500.
LYST-related disorder. Also called: LYST-related condition.

Allele frequency attached by ClinVar (database versions not stated): ExAC 0.00001; gnomAD 0.00002; TOPMed 0.00002; gnomAD exomes 0.00003; 1000 Genomes Project 30x 0.00016; 1000 Genomes Project 0.00020.
gnomAD v4.1: 55 of 1,613,540 alleles (0.0034%); highest among the groups gnomAD compares: Non-Finnish European, 0.0042%; no homozygotes.

Submissions (3):

Labcorp Genetics (formerly Invitae), Labcorp
Classification: Likely benign for Chédiak-Higashi syndrome. Last evaluated: 2026-01-14. Review status: criteria provided, single submitter. Criteria: Invitae Variant Classification Sherloc (09022015). Collection method: clinical testing. Allele origin: germline.

Women's Health and Genetics/Laboratory Corporation of America, LabCorp
Classification: Likely benign. Last evaluated: 2026-01-11. Review status: criteria provided, single submitter. Criteria: LabCorp Variant Classification Summary - May 2015. Collection method: clinical testing. Allele origin: germline.

PreventionGenetics, part of Exact Sciences
Classification: Likely benign for LYST-related condition. Last evaluated: 2023-09-05. Review status: no assertion criteria provided. Collection method: clinical testing. Allele origin: germline. Not counted in ClinVar's aggregate classification.
Comment: This variant is classified as likely benign based on ACMG/AMP sequence variant interpretation guidelines (Richards et al. 2015 PMID: 25741868, with internal and published modifications).